The following is an entry in ClinVar:

NM_017780.4(CHD7):c.1136A>G (p.Gln379Arg)

Gene: CHD7 (chromodomain helicase DNA binding protein 7; plus strand). Cytogenetic location: 8q12.2.
Variant type: single nucleotide variant.
Coding change: c.1136A>G on transcript NM_017780.4 (MANE Select); coding-DNA position 1136, A replaced by G.
Protein change: p.Gln379Arg; replaces glutamine 379 with arginine.
Molecular consequence: missense variant.
Genome position (GRCh38, 1-based): chr8:60,742,568, A>G. VCF-style: chr8-60742568-A-G. GRCh37 (hg19) VCF-style: chr8-61655127-A-G.
Other names: c.1136A>G, p.Gln379Arg (NM_001316690.1); short protein forms Q379R.
Identifiers: ClinVar variation 2977144 (VCV002977144.3), dbSNP rs2487277157, ClinGen allele CA371301538.
Genomic context (GRCh38, chr8:60,742,568, plus strand): 5'-AAGGACTAATGCACCAGCAGCCCATCCACCCCAGTGGCTCACTTAACCAAATGAACACAC[A>G]AACTATGCATCCTTCACAGCCTCAGGGAACTTATGCCTCTCCACCTCCCATGTCACCCAT-3'
Protein context (NP_060250.2, residues 369-389): PSGSLNQMNT[Gln379Arg]TMHPSQPQGT

ClinVar aggregate classification (germline): Uncertain significance (1 of 4 stars; one submission).

Conditions:
CHARGE syndrome (CHARGE). Also called: Hittner Hirsch Kreh syndrome; CHARGE ASSOCIATION--COLOBOMA, HEART ANOMALY, CHOANAL ATRESIA, RETARDATION, GENITAL AND EAR ANOMALIES; Coloboma, heart anomaly, choanal atresia, retardation, genital and ear anomalies; CHARGE association; Hall-Hittner syndrome. Identifiers: Orphanet 138, MedGen C0265354, MONDO:0008965.

Allele frequency attached by ClinVar (database versions not stated): gnomAD exomes below 0.00001.
gnomAD v4.1: 2 of 1,614,020 alleles (0.00012%); highest among the groups gnomAD compares: Non-Finnish European, 0.00017%; no homozygotes.

Submission:

Labcorp Genetics (formerly Invitae), Labcorp
Classification: Uncertain significance for CHARGE syndrome. Last evaluated: 2023-06-04. Review status: criteria provided, single submitter. Criteria: Invitae Variant Classification Sherloc (09022015). Collection method: clinical testing. Allele origin: germline.
Comment: Advanced modeling of protein sequence and biophysical properties (such as structural, functional, and spatial information, amino acid conservation, physicochemical variation, residue mobility, and thermodynamic stability) performed at Invitae indicates that this missense variant is not expected to disrupt CHD7 protein function. This variant has not been reported in the literature in individuals affected with CHD7-related conditions. This variant is not present in population databases (gnomAD no frequency). This sequence change replaces glutamine, which is neutral and polar, with arginine, which is basic and polar, at codon 379 of the CHD7 protein (p.Gln379Arg). In summary, the available evidence is currently insufficient to determine the role of this variant in disease. Therefore, it has been classified as a Variant of Uncertain Significance.